The following is an entry in ClinVar:

NM_001385641.1(SAMD11):c.2150G>A (p.Gly717Asp)

Genes: SAMD11 (sterile alpha motif domain containing 11; plus strand), LOC129929063 (ATAC-STARR-seq lymphoblastoid active region 4; plus strand). Cytogenetic location: 1p36.33.
Variant type: single nucleotide variant.
Coding change: c.2150G>A on transcript NM_001385641.1 (MANE Select); coding-DNA position 2150, G replaced by A.
Protein change: p.Gly717Asp; replaces glycine 717 with aspartic acid.
Molecular consequence: missense variant.
Genome position (GRCh38, 1-based): chr1:943,349, G>A. VCF-style: chr1-943349-G-A. GRCh37 (hg19) VCF-style: chr1-878729-G-A.
Other names: c.2153G>A, p.Gly718Asp (NM_001385640.1); c.1661G>A, p.Gly554Asp (NM_152486.4); short protein forms G554D, G718D, G717D.
Identifiers: ClinVar variation 1935533 (VCV001935533.5), dbSNP rs917627466, ClinGen allele CA16726437.

ClinVar aggregate classification (germline): Uncertain significance (1 of 4 stars; one submission).

gnomAD v4.1: 14 of 1,591,452 alleles (0.00088%); highest among the groups gnomAD compares: Non-Finnish European, 0.0012%; no homozygotes.

Submission:

Labcorp Genetics (formerly Invitae), Labcorp
Classification: Uncertain significance. Last evaluated: 2025-09-02. Review status: criteria provided, single submitter. Criteria: Invitae Variant Classification Sherloc (09022015). Collection method: clinical testing. Allele origin: germline.
Comment: This sequence change replaces glycine, which is neutral and non-polar, with aspartic acid, which is acidic and polar, at codon 554 of the SAMD11 protein (p.Gly554Asp). This variant is not present in population databases (gnomAD no frequency). This variant has not been reported in the literature in individuals affected with SAMD11-related conditions. ClinVar contains an entry for this variant (Variation ID: 1935533). An algorithm developed to predict the effect of missense changes on protein structure and function (PolyPhen-2) suggests that this variant is likely to be disruptive. In summary, the available evidence is currently insufficient to determine the role of this variant in disease. Therefore, it has been classified as a Variant of Uncertain Significance.